The following is an entry in ClinVar:

ClinVar aggregate classification (germline): Benign. Review status: criteria provided, multiple submitters, no conflicts (2 of 4 stars). 5 submissions from 5 submitters: Benign (5). Last evaluated 2026-02-04.

Conditions:
Left ventricular noncompaction 1 (LVNC1). Also called: LEFT VENTRICULAR NONCOMPACTION 1 WITH OR WITHOUT CONGENITAL HEART DEFECTS. Identifiers: Orphanet 54260, MedGen C1858725, MONDO:0011403, OMIM 604169.

Allele frequency attached by ClinVar (database versions not stated): ExAC 0.35859; ESP Exome Variant Server 0.38686; 1000 Genomes Project 0.29373; 1000 Genomes Project 30x 0.30044; gnomAD exomes 0.31959 and 0.29271; TOPMed 0.36077; gnomAD 0.36560 and 0.37431.
gnomAD v4.1: 516,490 of 1,594,552 alleles (32%); highest among the groups gnomAD compares: African/African-American, 51%; 87,720 homozygotes.

Submissions (5):

Labcorp Genetics (formerly Invitae), Labcorp
Classification: Benign for Left ventricular noncompaction 1. Last evaluated: 2026-02-04. Review status: criteria provided, single submitter. Criteria: Invitae Variant Classification Sherloc (09022015). Collection method: clinical testing. Allele origin: germline.

GeneDx
Classification: Benign. Last evaluated: 2014-01-08. Review status: criteria provided, single submitter. Criteria: GeneDx Variant Classification (06012015). Collection method: clinical testing. Allele origin: germline. Affected: yes.
Comment: This variant is considered likely benign or benign based on one or more of the following criteria: it is a conservative change, it occurs at a poorly conserved position in the protein, it is predicted to be benign by multiple in silico algorithms, and/or has population frequency not consistent with disease.

Laboratory for Molecular Medicine, Mass General Brigham Personalized Medicine
Classification: Benign. Last evaluated: 2011-09-16. Review status: criteria provided, single submitter. Criteria: LMM Criteria. Collection method: clinical testing. Allele origin: germline. Observed: 975 variant alleles.

Breakthrough Genomics
Classification: Benign. Review status: criteria provided, single submitter. Criteria: ACMG Guidelines, 2015. Collection method: not provided. Allele origin: germline. Inheritance: Autosomal dominant inheritance. Affected: yes.

PreventionGenetics, part of Exact Sciences
Classification: Benign. Review status: criteria provided, single submitter. Criteria: ACMG Guidelines, 2015. Collection method: clinical testing. Allele origin: germline.

NM_001386795.1(DTNA):c.1743+14G>A

Gene: DTNA (dystrobrevin alpha; plus strand). Cytogenetic location: 18q12.1.
Variant type: single nucleotide variant.
Coding change: c.1743+14G>A on transcript NM_001386795.1 (MANE Select); 14 bases into the intron after coding-DNA position 1743, G replaced by A.
Molecular consequence: intron variant.
Genome position (GRCh38, 1-based): chr18:34,864,076, G>A. VCF-style: chr18-34864076-G-A. GRCh37 (hg19) VCF-style: chr18-32444040-G-A.
Other names: c.1491+14G>A (NM_032975.4, NM_001386761.1, NM_032979.5); c.1488+14G>A (NM_001386762.1); c.1572+14G>A (NM_001386754.1, NM_001386755.1, NM_001386757.1 and 4 more transcripts); c.1569+14G>A (NM_001386760.1); c.1482+14G>A (NM_001386763.1, NM_001386764.1, NM_001386771.1 and 9 more transcripts); c.1479+14G>A (NM_001386768.1, NM_001386773.1, NM_001386769.1 and 1 more transcripts); c.912+14G>A (NM_001198945.2); c.1743+14G>A (NM_001386788.1); and 7 more.
Identifiers: ClinVar variation 46416 (VCV000046416.14), dbSNP rs1617318, ClinGen allele CA138300.